The following is an entry in ClinVar:

NM_000388.4(CASR):c.1672dup (p.Glu558fs)

Gene: CASR (calcium sensing receptor; plus strand). Cytogenetic location: 3q21.1.
Variant type: Duplication.
Coding change: c.1672dup on transcript NM_000388.4 (MANE Select); coding-DNA position 1672, one base duplicated (G; older notation c.1672dupG).
Protein change: p.Glu558fs; shifts the reading frame from glutamic acid 558.
Molecular consequence: frameshift variant.
Genome position (GRCh38, 1-based): chr3:122,282,176, G duplicated; the last of 5 consecutive G bases (chr3:122,282,172-122,282,176); duplicating any one gives the same sequence. VCF-style (leftmost placement, unchanged base first): chr3-122282171-A-AG. GRCh37 (hg19) VCF-style: chr3-122001018-A-AG.
Other names: c.1702dupG (NM_001178065.2); c.1702dup, p.Glu568fs (NM_001178065.2); short protein forms E558fs, E568fs.
Identifiers: ClinVar variation 1678560 (VCV001678560.2), dbSNP rs2107648305, ClinGen allele CA916079843.

ClinVar aggregate classification (germline): Likely pathogenic (1 of 4 stars; one submission).

Conditions:
Familial hypocalciuric hypercalcemia 1. Also called: Hypercalcemia, familial benign type 1. Identifiers: Orphanet 405, Orphanet 93372, MedGen C0342637, MONDO:0007791, OMIM 145980.

Submission:

Molecular Genetics, Royal Melbourne Hospital
Classification: Likely pathogenic for Familial hypocalciuric hypercalcemia 1. Last evaluated: 2020-10-26. Review status: criteria provided, single submitter. Criteria: ACMG Guidelines, 2015. Collection method: clinical testing. Allele origin: germline. Affected: yes.
Comment: This sequence change is a duplication of 1 bp in exon 6 (of 7) of CASR that is predicted to create a premature termination codon at position 574 (p.Glu568Glyfs*7). While this is not anticipated to result in nonsense mediated decay, it is expected to remove the last 514 amino acids. Multiple pathogenic loss of function variants have been reported downstream of this variant (ClinVar). The variant is absent in a large population cohort (gnomAD v2.1). It has not been reported in relevant medical literature or databases. Based on the classification scheme RMH ACMG Guidelines v1.2.1, this variant is classified as LIKELY PATHOGENIC. Following criteria are met: PVS1_Strong, PM2.